The following is an entry in ClinVar:

NM_205836.3(FBXO38):c.2303C>G (p.Ala768Gly)

Gene: FBXO38 (F-box protein 38; plus strand). Cytogenetic location: 5q32.
Variant type: single nucleotide variant.
Coding change: c.2303C>G on transcript NM_205836.3 (MANE Select); coding-DNA position 2303, C replaced by G.
Protein change: p.Ala768Gly; replaces alanine 768 with glycine.
Molecular consequence: missense variant. On other transcripts: intron variant (1).
Genome position (GRCh38, 1-based): chr5:148,427,597, C>G. VCF-style: chr5-148427597-C-G. GRCh37 (hg19) VCF-style: chr5-147807160-C-G.
Other names: c.2303C>G, p.Ala768Gly (NM_030793.5); c.1918+1896C>G (NM_001271723.2); short protein forms A768G.
Identifiers: ClinVar variation 1059267 (VCV001059267.11), dbSNP rs142129179, ClinGen allele CA3497490.
Genomic context (GRCh38, chr5:148,427,597, plus strand): 5'-GGCAGTGTGCCTGCTCCCCCGGTGGGTCAGAGGACTCTGAGGCCATGGAGGAGGGAGATG[C>G]AGAGAGTTCTGTCTGCCCCAGATGCTGCTGTCACAGGCCCCAGGAATCCCAAAGGAGAAC-3'
Protein context (NP_995308.1, residues 758-778): EDSEAMEEGD[Ala768Gly]ESSVCPRCCC

ClinVar aggregate classification (germline): Uncertain significance. Review status: criteria provided, multiple submitters, no conflicts (2 of 4 stars). 2 submissions from 2 submitters: Uncertain significance (2). Last evaluated 2025-06-24.

Conditions:
Distal hereditary motor neuropathy type 2. Identifiers: Orphanet 139525, MedGen C3711384, MeSH C580044, MONDO:0015352.

Allele frequency attached by ClinVar (database versions not stated): ExAC 0.00002; gnomAD 0.00002; gnomAD exomes 0.00002 and 0.00003; TOPMed 0.00005; ESP Exome Variant Server 0.00015.
gnomAD v4.1: 39 of 1,614,068 alleles (0.0024%); highest among the groups gnomAD compares: Admixed American, 0.0033%; no homozygotes.

Submissions (2):

Labcorp Genetics (formerly Invitae), Labcorp
Classification: Uncertain significance for Distal hereditary motor neuropathy type 2. Last evaluated: 2025-06-24. Review status: criteria provided, single submitter. Criteria: Invitae Variant Classification Sherloc (09022015). Collection method: clinical testing. Allele origin: germline.
Comment: This sequence change replaces alanine, which is neutral and non-polar, with glycine, which is neutral and non-polar, at codon 768 of the FBXO38 protein (p.Ala768Gly). This variant is present in population databases (rs142129179, gnomAD 0.004%). This variant has not been reported in the literature in individuals affected with FBXO38-related conditions. ClinVar contains an entry for this variant (Variation ID: 1059267). Invitae Evidence Modeling of protein sequence and biophysical properties (such as structural, functional, and spatial information, amino acid conservation, physicochemical variation, residue mobility, and thermodynamic stability) indicates that this missense variant is not expected to disrupt FBXO38 protein function with a negative predictive value of 80%. In summary, the available evidence is currently insufficient to determine the role of this variant in disease. Therefore, it has been classified as a Variant of Uncertain Significance.

Breakthrough Genomics
Classification: Uncertain significance. Review status: criteria provided, single submitter. Criteria: ACMG Guidelines, 2015. Collection method: not provided. Allele origin: germline. Inheritance: Autosomal dominant inheritance. Affected: yes.